The following is an entry in ClinVar:

ClinVar aggregate classification (germline): Uncertain significance (1 of 4 stars; one submission).

Conditions:
Familial thoracic aortic aneurysm and aortic dissection (TAAD). Also called: Thoracic aortic aneurysms and dissections. Identifiers: Orphanet 91387, MedGen C4707243, MONDO:0019625.

Submission:

Ambry Genetics
Classification: Uncertain significance for Familial thoracic aortic aneurysm and aortic dissection. Last evaluated: 2026-01-12. Review status: criteria provided, single submitter. Criteria: Ambry Variant Classification Scheme 2023. Collection method: clinical testing. Allele origin: germline.
Comment: The p.M481T variant (also known as c.1442T>C), located in coding exon 13 of the PLOD1 gene, results from a T to C substitution at nucleotide position 1442. The methionine at codon 481 is replaced by threonine, an amino acid with similar properties. This amino acid position is conserved. In addition, this alteration is predicted to be deleterious by in silico analysis. Based on the available evidence, the clinical significance of this variant remains unclear.

NM_000302.4(PLOD1):c.1442T>C (p.Met481Thr)

Gene: PLOD1 (procollagen-lysine,2-oxoglutarate 5-dioxygenase 1; plus strand). Cytogenetic location: 1p36.22.
Variant type: single nucleotide variant.
Coding change: c.1442T>C on transcript NM_000302.4 (MANE Select); coding-DNA position 1442, T replaced by C.
Protein change: p.Met481Thr; replaces methionine 481 with threonine.
Molecular consequence: missense variant.
Genome position (GRCh38, 1-based): chr1:11,964,757, T>C. VCF-style: chr1-11964757-T-C. GRCh37 (hg19) VCF-style: chr1-12024814-T-C.
Other names: c.1583T>C, p.Met528Thr (NM_001316320.2); short protein forms M481T, M528T.
Identifiers: ClinVar variation 4842472 (VCV004842472.1).